The following is an entry in ClinVar:

NM_013275.6(ANKRD11):c.3440_3443del (p.Asp1147fs)

Gene: ANKRD11 (ankyrin repeat domain 11; minus strand). Cytogenetic location: 16q24.3.
Variant type: Microsatellite.
Coding change: c.3440_3443del on transcript NM_013275.6 (MANE Select); coding-DNA positions 3440 to 3443, 4 bases deleted (ACGG; older notation c.3440_3443delACGG).
Protein change: p.Asp1147fs; shifts the reading frame from aspartic acid 1147.
Molecular consequence: frameshift variant.
Genome position (GRCh38, 1-based): chr16:89,283,099-89,283,102, CCGT deleted on the plus strand (ACGG on the coding strand, the reverse complement: ANKRD11 is on the minus strand); deleting any 4 consecutive bases within chr16:89,283,099-89,283,108 gives the same sequence; the c. name uses the placement nearest the transcript's 3' end. VCF-style (leftmost placement, unchanged base first): chr16-89283098-GCCGT-G. GRCh37 (hg19) VCF-style: chr16-89349506-GCCGT-G.
Other names: c.3440_3443del, p.Asp1147fs (NM_001256182.2, NM_001256183.2); short protein forms D1147fs.
Identifiers: ClinVar variation 4531626 (VCV004531626.1).

ClinVar aggregate classification (germline): Pathogenic (1 of 4 stars; one submission).

Conditions:
KBG syndrome (KBGS). Also called: ANKRD11-Related KBG Syndrome. Identifiers: Orphanet 2332, MedGen C0220687, MONDO:0007846, OMIM 148050.

Submission:

Victorian Clinical Genetics Services, Murdoch Childrens Research Institute
Classification: Pathogenic for KBG syndrome. Last evaluated: 2025-08-27. Review status: criteria provided, single submitter. Criteria: ACMG Guidelines, 2015. Collection method: clinical testing. Allele origin: germline. Affected: yes.
Comment: This variant is classified as Pathogenic. Evidence in support of pathogenic classification: Variant is predicted to cause nonsense-mediated decay (NMD) and loss of protein (premature termination codon is located at least 54 nucleotides upstream of the final exon-exon junction); Variant is absent from gnomAD (v2, v3 and v4); Other NMD-predicted variant(s) comparable to the one identified in this case have very strong previous evidence for pathogenicity; Additional information: This variant is heterozygous; This gene is associated with autosomal dominant disease; Loss of function is a known mechanism of disease in this gene and is associated with KBG syndrome (MIM#148050); Variants in this gene are known to have variable expressivity. Intrafamilial variability is commonly reported (PMID: 29258554).

Literature cited by the submitters: PubMed 29258554.